The following is an entry in ClinVar:

NM_016417.3(GLRX5):c.296-5C>T

Gene: GLRX5 (glutaredoxin 5; plus strand). Cytogenetic location: 14q32.13.
Variant type: single nucleotide variant.
Coding change: c.296-5C>T on transcript NM_016417.3 (MANE Select); 5 bases into the intron before coding-DNA position 296, C replaced by T.
Molecular consequence: intron variant.
Genome position (GRCh38, 1-based): chr14:95,543,942, C>T. VCF-style: chr14-95543942-C-T. GRCh37 (hg19) VCF-style: chr14-96010279-C-T.
Identifiers: ClinVar variation 756197 (VCV000756197.10), dbSNP rs558712641, ClinGen allele CA7333940.
Genomic context (GRCh38, chr14:95,543,942, plus strand): 5'-ATATTTAGTCATGAATGGTTCAGCTTTTACCATTTAAATAACAAATAAATGTTCTTTCTC[C>T]ATAGGCATTAAAGACTATTCCAACTGGCCCACCATCCCGCAAGTGTACCTCAATGGCGAG-3'

ClinVar aggregate classification (germline): Likely benign. Review status: criteria provided, multiple submitters, no conflicts (2 of 4 stars). 2 submissions from 2 submitters: Likely benign (2). Last evaluated 2025-08-12.

Conditions:
GLRX5-related disorder. Also called: GLRX5-related condition.

Allele frequency attached by ClinVar (database versions not stated): gnomAD exomes 0.00002 and 0.00004; ExAC 0.00004; 1000 Genomes Project 30x 0.00016; TOPMed 0.00018; 1000 Genomes Project 0.00020; gnomAD 0.00020 and 0.00023.
gnomAD v4.1: 62 of 1,608,766 alleles (0.0039%); highest among the groups gnomAD compares: African/African-American, 0.077%; no homozygotes.

Submissions (2):

PreventionGenetics, part of Exact Sciences
Classification: Likely benign for GLRX5-related condition. Last evaluated: 2025-08-12. Review status: criteria provided, single submitter. Criteria: ACMG Guidelines, 2015. Collection method: clinical testing. Allele origin: germline.
Comment: This variant is classified as likely benign based on ACMG/AMP sequence variant interpretation guidelines (Richards et al. 2015 PMID: 25741868, with internal and published modifications).

Labcorp Genetics (formerly Invitae), Labcorp
Classification: Likely benign. Last evaluated: 2025-07-21. Review status: criteria provided, single submitter. Criteria: Invitae Variant Classification Sherloc (09022015). Collection method: clinical testing. Allele origin: germline.